The following is an entry in ClinVar:

NM_014159.7(SETD2):c.2417A>C (p.Asn806Thr)

Gene: SETD2 (SET domain containing 2, histone lysine methyltransferase; minus strand). Cytogenetic location: 3p21.31.
Variant type: single nucleotide variant.
Coding change: c.2417A>C on transcript NM_014159.7 (MANE Select); coding-DNA position 2417, A replaced by C.
Protein change: p.Asn806Thr; replaces asparagine 806 with threonine.
Molecular consequence: missense variant. On other transcripts: non-coding transcript variant (1).
Genome position (GRCh38, 1-based): chr3:47,122,219, T>G on the plus strand (A>C on the coding strand, the complement: SETD2 is on the minus strand). VCF-style: chr3-47122219-T-G. GRCh37 (hg19) VCF-style: chr3-47163709-T-G.
Other names: c.2285A>C, p.Asn762Thr (NM_001349370.3); short protein forms N806T, N762T.
Identifiers: ClinVar variation 945942 (VCV000945942.6), dbSNP rs2043125754, ClinGen allele CA352526523.

ClinVar aggregate classification (germline): Uncertain significance (1 of 4 stars; one submission).

Conditions:
Luscan-Lumish syndrome. Identifiers: Orphanet 597738, MedGen C4085873, MONDO:0014791, OMIM 616831.

Allele frequency attached by ClinVar (database versions not stated): TOPMed below 0.00001.

Submission:

Labcorp Genetics (formerly Invitae), Labcorp
Classification: Uncertain significance for Luscan-Lumish syndrome. Last evaluated: 2019-06-03. Review status: criteria provided, single submitter. Criteria: Invitae Variant Classification Sherloc (09022015). Collection method: clinical testing. Allele origin: germline.
Comment: This sequence change replaces asparagine with threonine at codon 806 of the SETD2 protein (p.Asn806Thr). The asparagine residue is weakly conserved and there is a small physicochemical difference between asparagine and threonine. Algorithms developed to predict the effect of missense changes on protein structure and function (SIFT, PolyPhen-2, Align-GVGD) all suggest that this variant is likely to be tolerated, but these predictions have not been confirmed by published functional studies and their clinical significance is uncertain. This variant has not been reported in the literature in individuals with SETD2-related conditions. This variant is not present in population databases (ExAC no frequency). In summary, the available evidence is currently insufficient to determine the role of this variant in disease. Therefore, it has been classified as a Variant of Uncertain Significance.